The following is an entry in ClinVar:

ClinVar aggregate classification (germline): Likely pathogenic (0 of 4 stars; one submission).

Conditions:
PCSK1-related disorder. Also called: PCSK1-related condition.

Allele frequency attached by ClinVar (database versions not stated): gnomAD exomes 0.00003; TOPMed 0.00002; gnomAD 0.00001.
gnomAD v4.1: 41 of 1,613,834 alleles (0.0025%); highest among the groups gnomAD compares: Non-Finnish European, 0.0032%; no homozygotes.

Submission:

PreventionGenetics, part of Exact Sciences
Classification: Likely pathogenic for PCSK1-related condition. Last evaluated: 2023-12-19. Review status: no assertion criteria provided. Collection method: clinical testing. Allele origin: germline.
Comment: The PCSK1 c.125G>A variant is predicted to result in the amino acid substitution p.Gly42Asp. This variant was observed in a cohort of individuals with obesity, and in vitro functional studies show strong evidence of loss of function (Table 3 and Supplemental Data Set, Shah et al. 2023. PubMed ID: 36864747). This variant is reported in 0.0016% of alleles in individuals of European (non-Finnish) descent in gnomAD. This variant is interpreted as likely pathogenic.

NM_000439.5(PCSK1):c.125G>A (p.Gly42Asp)

Genes: CAST (calpastatin; plus strand), PCSK1 (proprotein convertase subtilisin/kexin type 1; minus strand), LOC101929710 (uncharacterized LOC101929710; plus strand). Cytogenetic location: 5q15.
Variant type: single nucleotide variant.
Coding change: c.125G>A on transcript NM_000439.5 (MANE Select); coding-DNA position 125, G replaced by A.
Protein change: p.Gly42Asp; replaces glycine 42 with aspartic acid.
Molecular consequence: missense variant. On other transcripts: intron variant (11).
Genome position (GRCh38, 1-based): chr5:96,432,918, C>T on the plus strand (G>A on the coding strand, the complement: PCSK1 is on the minus strand). VCF-style: chr5-96432918-C-T. GRCh37 (hg19) VCF-style: chr5-95768622-C-T.
Other names: c.-175+53266C>T (NM_001423254.1, NM_001423259.1, NM_001423255.1 and 6 more transcripts); c.-103+53266C>T (NM_001423253.1); c.-40+53266C>T (NM_001423258.1); short protein forms G42D.
Identifiers: ClinVar variation 3044580 (VCV003044580.2), dbSNP rs1359353262, ClinGen allele CA360486083.